The following is an entry in ClinVar:

ClinVar aggregate classification (germline): Conflicting classifications of pathogenicity. Review status: criteria provided, conflicting classifications (1 of 4 stars). 8 submissions from 8 submitters: Uncertain significance (1); Benign (1); Likely benign (6). Last evaluated 2026-03-01.

Conditions:
Developmental and epileptic encephalopathy, 1 (DEE1). Also called: INFANTILE SPASM SYNDROME, X-LINKED 1; X-linked infantile spasms; West's syndrome; Tonic spasms with clustering, arrest of psychomotor development and hypsarrhythmia on EEG; X-Linked Infantile Spasm Syndrome; Epileptic encephalopathy, early infantile, 1. Identifiers: MedGen C3463992, MONDO:0010632, OMIM 308350. Disease mechanism: loss of function.
Autosomal dominant nonsyndromic hearing loss 65. Also called: Deafness, autosomal dominant 65; TBC1D24-Related Autosomal Dominant Nonsyndromic Hearing Loss (DFNA). Identifiers: Orphanet 90635, MedGen C3892048, MONDO:0014470, OMIM 616044.
Inborn genetic diseases. Identifiers: MedGen C0950123, MeSH D030342.
Familial infantile myoclonic epilepsy (FIME). Also called: TBC1D24-Related Familial Infantile Myoclonic Epilepsy (FIME); Epilepsy, Myoclonic, Infantile. Identifiers: Orphanet 352582, MedGen C0917800, MONDO:0011506, OMIM 605021.

Allele frequency attached by ClinVar (database versions not stated): ExAC 0.00003; gnomAD 0.00003 and 0.00005; gnomAD exomes 0.00005 and 0.00009; TOPMed 0.00007.
gnomAD v4.1: 150 of 1,604,372 alleles (0.0093%); highest among the groups gnomAD compares: Middle Eastern, 1.2%; 2 homozygotes.

Submissions (8):

CeGaT Center for Human Genetics Tuebingen
Classification: Likely benign. Last evaluated: 2026-03-01. Review status: criteria provided, single submitter. Criteria: CeGaT Center For Human Genetics Tuebingen Variant Classification Criteria Version 2. Collection method: clinical testing. Allele origin: germline. Affected: yes. Observed: 6 variant alleles.
Comment: TBC1D24: BP4, BP7

Labcorp Genetics (formerly Invitae), Labcorp
Classification: Likely benign for Developmental and epileptic encephalopathy, 1; Autosomal dominant nonsyndromic hearing loss 65. Last evaluated: 2025-12-28. Review status: criteria provided, single submitter. Criteria: Invitae Variant Classification Sherloc (09022015). Collection method: clinical testing. Allele origin: germline.

ARUP Laboratories, Molecular Genetics and Genomics, ARUP Laboratories
Classification: Likely benign. Last evaluated: 2024-10-25. Review status: criteria provided, single submitter. Criteria: ARUP Molecular Germline Variant Investigation Process 2024. Collection method: clinical testing. Allele origin: germline.

Blueprint Genetics
Classification: Likely benign. Last evaluated: 2024-06-12. Review status: criteria provided, single submitter. Criteria: ACMG Guidelines, 2015. Collection method: clinical testing. Allele origin: germline.

Illumina Laboratory Services, Illumina
Classification: Uncertain significance for Familial infantile myoclonic epilepsy. Last evaluated: 2018-01-12. Review status: criteria provided, single submitter. Criteria: ICSL Variant Classification Criteria 13 December 2019. Collection method: clinical testing. Allele origin: germline.

Ambry Genetics
Classification: Likely benign for Inborn genetic diseases. Last evaluated: 2017-11-02. Review status: criteria provided, single submitter. Criteria: Ambry Variant Classification Scheme 2023. Collection method: clinical testing. Allele origin: germline.

Laboratory for Molecular Medicine, Mass General Brigham Personalized Medicine
Classification: Likely benign. Last evaluated: 2017-08-10. Review status: criteria provided, single submitter. Criteria: LMM Criteria. Collection method: clinical testing. Allele origin: germline. Observed: 4 variant alleles.
Comment: p.Thr317Thr in exon 2 of TBC1D24: This variant is not expected to have clinical significance because it does not alter an amino acid residue and is not located within the splice consensus sequence. It has been identified in 13/265438 total chromosomes in different populations by the Genome Aggregation Database (gnomAD; dbSNP rs766745103).

GeneDx
Classification: Benign. Last evaluated: 2014-10-14. Review status: criteria provided, single submitter. Criteria: GeneDx Variant Classification (06012015). Collection method: clinical testing. Allele origin: germline. Affected: yes.
Comment: This variant is considered likely benign or benign based on one or more of the following criteria: it is a conservative change, it occurs at a poorly conserved position in the protein, it is predicted to be benign by multiple in silico algorithms, and/or has population frequency not consistent with disease.

NM_001199107.2(TBC1D24):c.951C>T (p.Thr317=)

Gene: TBC1D24 (TBC1 domain family member 24; plus strand). Cytogenetic location: 16p13.3.
Variant type: single nucleotide variant.
Coding change: c.951C>T on transcript NM_001199107.2 (MANE Select); coding-DNA position 951, C replaced by T.
Protein change: p.Thr317=; no amino-acid change (threonine 317 retained).
Molecular consequence: synonymous variant.
Genome position (GRCh38, 1-based): chr16:2,497,099, C>T. VCF-style: chr16-2497099-C-T. GRCh37 (hg19) VCF-style: chr16-2547100-C-T.
Other names: p.T317T:ACC>ACT; c.951C>T, p.Thr317= (NM_020705.3).
Identifiers: ClinVar variation 207488 (VCV000207488.58), dbSNP rs766745103, ClinGen allele CA318998.